The following is an entry in ClinVar:

NM_001273.5(CHD4):c.4288C>T (p.Arg1430Ter)

Genes: CHD4 (chromodomain helicase DNA binding protein 4; minus strand), CHD4-AS1 (CHD4 antisense RNA 1; plus strand). Cytogenetic location: 12p13.31.
Variant type: single nucleotide variant.
Coding change: c.4288C>T on transcript NM_001273.5 (MANE Select); coding-DNA position 4288, C replaced by T.
Protein change: p.Arg1430Ter; replaces arginine 1430 with a stop codon.
Molecular consequence: nonsense.
Genome position (GRCh38, 1-based): chr12:6,582,697, G>A on the plus strand (C>T on the coding strand, the complement: CHD4 is on the minus strand). VCF-style: chr12-6582697-G-A. GRCh37 (hg19) VCF-style: chr12-6691863-G-A.
Other names: c.4267C>T, p.Arg1423Ter (NM_001297553.2); c.4249C>T, p.Arg1417Ter (NM_001363606.2); short protein forms R1417*, R1423*, R1430*.
Identifiers: ClinVar variation 3053308 (VCV003053308.2), dbSNP rs2540382252, ClinGen allele CA383575072.

ClinVar aggregate classification (germline): Uncertain significance (0 of 4 stars; one submission).

Conditions:
CHD4-related disorder. Also called: CHD4-related condition.

Submission:

PreventionGenetics, part of Exact Sciences
Classification: Uncertain significance for CHD4-related condition. Last evaluated: 2023-10-31. Review status: no assertion criteria provided. Collection method: clinical testing. Allele origin: germline.
Comment: The CHD4 c.4288C>T variant is predicted to result in premature protein termination (p.Arg1430*). To our knowledge, this variant has not been reported in the literature or in a large population database, indicating this variant is rare. Loss-of-function has not been established as a disease mechanism for this gene, and therefore the clinical significance of this variant is currently uncertain due to the absence of conclusive functional and genetic evidence.